The following is an entry in ClinVar:

ClinVar aggregate classification (germline): Uncertain significance (1 of 4 stars; one submission).

Allele frequency attached by ClinVar (database versions not stated): TOPMed below 0.00001; gnomAD exomes 0.00001; ExAC 0.00002; gnomAD 0.00002.
gnomAD v4.1: 11 of 1,614,074 alleles (0.00068%); highest among the groups gnomAD compares: Admixed American, 0.0083%; no homozygotes.

Submission:

Labcorp Genetics (formerly Invitae), Labcorp
Classification: Uncertain significance. Last evaluated: 2022-09-12. Review status: criteria provided, single submitter. Criteria: Invitae Variant Classification Sherloc (09022015). Collection method: clinical testing. Allele origin: germline.
Comment: This sequence change replaces asparagine, which is neutral and polar, with serine, which is neutral and polar, at codon 62 of the TYR protein (p.Asn62Ser). This variant is present in population databases (rs769907583, gnomAD 0.009%). This variant has not been reported in the literature in individuals affected with TYR-related conditions. ClinVar contains an entry for this variant (Variation ID: 1379578). Advanced modeling of protein sequence and biophysical properties (such as structural, functional, and spatial information, amino acid conservation, physicochemical variation, residue mobility, and thermodynamic stability) performed at Invitae indicates that this missense variant is not expected to disrupt TYR protein function. Algorithms developed to predict the effect of sequence changes on RNA splicing suggest that this variant may create or strengthen a splice site. In summary, the available evidence is currently insufficient to determine the role of this variant in disease. Therefore, it has been classified as a Variant of Uncertain Significance.

NM_000372.5(TYR):c.185A>G (p.Asn62Ser)

Gene: TYR (tyrosinase; plus strand). Cytogenetic location: 11q14.3.
Variant type: single nucleotide variant.
Coding change: c.185A>G on transcript NM_000372.5 (MANE Select); coding-DNA position 185, A replaced by G.
Protein change: p.Asn62Ser; replaces asparagine 62 with serine.
Molecular consequence: missense variant.
Genome position (GRCh38, 1-based): chr11:89,178,138, A>G. VCF-style: chr11-89178138-A-G. GRCh37 (hg19) VCF-style: chr11-88911306-A-G.
Other names: short protein forms N62S.
Identifiers: ClinVar variation 1379578 (VCV001379578.3), dbSNP rs769907583, ClinGen allele CA6221058.